The following is an entry in ClinVar:

ClinVar aggregate classification (germline): Likely benign. Review status: criteria provided, multiple submitters, no conflicts (2 of 4 stars). 5 submissions from 5 submitters: Likely benign (4). 1 of the submissions does not count toward it. Last evaluated 2025-03-19.

Conditions:
Hereditary cancer-predisposing syndrome. Also called: Hereditary neoplastic syndrome; Neoplastic Syndromes, Hereditary; Tumor predisposition; Hereditary Cancer Syndrome. Identifiers: Orphanet 140162, MedGen C0027672, MeSH D009386, MONDO:0015356.
Familial thoracic aortic aneurysm and aortic dissection (TAAD). Also called: Thoracic aortic aneurysms and dissections. Identifiers: Orphanet 91387, MedGen C4707243, MONDO:0019625.
SMAD4-related disorder. Also called: SMAD4-related condition; SMAD4-Related disorders.
Juvenile polyposis syndrome (JPS). Identifiers: Orphanet 2929, MedGen C0345893, MONDO:0017380, OMIM 174900.
Juvenile polyposis/hereditary hemorrhagic telangiectasia syndrome (JPHT). Also called: Juvenile Polyposis Syndrome / Hereditary Hemorrhagic Telangiectasia (JPS/HHT); JP/HHT SYNDROME; JUVENILE POLYPOSIS WITH HEREDITARY HEMORRHAGIC TELANGIECTASIA; POLYPOSIS, GENERALIZED JUVENILE, WITH PULMONARY ARTERIOVENOUS MALFORMATION; TELANGIECTASIA, HEREDITARY HEMORRHAGIC, WITH JUVENILE POLYPOSIS COLI. Identifiers: Orphanet 2929, MedGen C1832942, MONDO:0008278, OMIM 175050.

Allele frequency attached by ClinVar (database versions not stated): gnomAD exomes below 0.00001.
gnomAD v4.1: 2 of 1,596,984 alleles (0.00013%); highest among the groups gnomAD compares: Non-Finnish European, 0.00017%; no homozygotes.

Submissions (5):

Myriad Genetics, Inc.
Classification: Likely benign for Juvenile polyposis/hereditary hemorrhagic telangiectasia syndrome. Last evaluated: 2025-03-19. Review status: criteria provided, single submitter. Criteria: Myriad Autosomal Dominant, Autosomal Recessive and X-Linked Classification Criteria (2023). Collection method: clinical testing. Allele origin: unknown.
Comment: This variant is considered likely benign. This variant is intronic and is not expected to impact mRNA splicing.

Labcorp Genetics (formerly Invitae), Labcorp
Classification: Likely benign for Juvenile polyposis syndrome. Last evaluated: 2025-01-19. Review status: criteria provided, single submitter. Criteria: Invitae Variant Classification Sherloc (09022015). Collection method: clinical testing. Allele origin: germline.

All of Us Research Program, National Institutes of Health
Classification: Likely benign for Juvenile polyposis/hereditary hemorrhagic telangiectasia syndrome. Last evaluated: 2023-05-16. Review status: criteria provided, single submitter. Criteria: ACMG Guidelines, 2015. Collection method: clinical testing. Allele origin: germline. Inheritance: Autosomal dominant inheritance. Observed: 1 variant allele, 1 heterozygote.
Comment: This study involves interpretation of variants in research participants for the purpose of population health screening. Participant phenotype was not available at the time of variant classification. Additional details can be found in publication PMID: 35346344, PMCID: PMC8962531

Ambry Genetics
Classification: Likely benign for Hereditary cancer-predisposing syndrome; Familial thoracic aortic aneurysm and aortic dissection. Last evaluated: 2019-12-06. Review status: criteria provided, single submitter. Criteria: Ambry Variant Classification Scheme 2023. Collection method: clinical testing. Allele origin: germline.

PreventionGenetics, part of Exact Sciences
Classification: Likely benign for SMAD4-related condition. Last evaluated: 2022-05-13. Review status: no assertion criteria provided. Collection method: clinical testing. Allele origin: germline. Not counted in ClinVar's aggregate classification.
Comment: This variant is classified as likely benign based on ACMG/AMP sequence variant interpretation guidelines (Richards et al. 2015 PMID: 25741868, with internal and published modifications).

NM_005359.6(SMAD4):c.455-4A>G

Gene: SMAD4 (SMAD family member 4; plus strand). Cytogenetic location: 18q21.2.
Variant type: single nucleotide variant.
Coding change: c.455-4A>G on transcript NM_005359.6 (MANE Select); 4 bases into the intron before coding-DNA position 455, A replaced by G.
Molecular consequence: intron variant.
Genome position (GRCh38, 1-based): chr18:51,054,777, A>G. VCF-style: chr18-51054777-A-G. GRCh37 (hg19) VCF-style: chr18-48581147-A-G.
Identifiers: ClinVar variation 733131 (VCV000733131.16), dbSNP rs1599186761, ClinGen allele CA915951530.
Genomic context (GRCh38, chr18:51,054,777, plus strand): 5'-AAGATTTTTTTTTCTGGGAATAGAAGCTTATAAAAATTTAAAATATGTTTAATTTTCTAT[A>G]TAGCTCCATCAAGTATGATGGTGAAGGATGAATATGTGCATGACTTTGAGGGACAGCCAT-3'